The following is an entry in ClinVar:

ClinVar aggregate classification (germline): Uncertain significance (1 of 4 stars; one submission).

Submission:

CeGaT Center for Human Genetics Tuebingen
Classification: Uncertain significance. Last evaluated: 2023-03-01. Review status: criteria provided, single submitter. Criteria: CeGaT Center For Human Genetics Tuebingen Variant Classification Criteria Version 2. Collection method: clinical testing. Allele origin: germline. Affected: yes. Observed: 1 variant allele.
Comment: OPA3: PM2, PP3

NM_025136.4(OPA3):c.311A>C (p.His104Pro)

Genes: OPA3 (outer mitochondrial membrane lipid metabolism regulator OPA3; minus strand), OPA3-RTN2 (OPA3-RTN2 readthrough; minus strand). Cytogenetic location: 19q13.32.
Variant type: single nucleotide variant.
Coding change: c.311A>C on transcript NM_025136.4 (MANE Select); coding-DNA position 311, A replaced by C.
Protein change: p.His104Pro; replaces histidine 104 with proline.
Molecular consequence: missense variant. On other transcripts: intron variant (1).
Genome position (GRCh38, 1-based): chr19:45,553,743, T>G on the plus strand (A>C on the coding strand, the complement: OPA3 is on the minus strand). VCF-style: chr19-45553743-T-G. GRCh37 (hg19) VCF-style: chr19-46057001-T-G.
Other names: c.143-24287A>C (NM_001017989.3); short protein forms H104P.
Identifiers: ClinVar variation 2650117 (VCV002650117.24), dbSNP rs2513824199, ClinGen allele CA406370819.